The following is an entry in ClinVar:

ClinVar aggregate classification (germline): Uncertain significance (1 of 4 stars; one submission).

Conditions:
Encephalopathy, acute, infection-induced (herpes-specific), susceptibility to, 1. Also called: Herpes simplex encephalitis, susceptibility to, 1. Identifiers: Orphanet 1930, MedGen C2750180, MONDO:0024563, OMIM 610551.

gnomAD v4.1: 5 of 1,613,896 alleles (0.00031%); highest among the groups gnomAD compares: East Asian, 0.0022%; no homozygotes.

Submission:

Labcorp Genetics (formerly Invitae), Labcorp
Classification: Uncertain significance for Encephalopathy, acute, infection-induced (herpes-specific), susceptibility to, 1. Last evaluated: 2023-05-09. Review status: criteria provided, single submitter. Criteria: Invitae Variant Classification Sherloc (09022015). Collection method: clinical testing. Allele origin: germline.
Comment: This variant has not been reported in the literature in individuals affected with TLR3-related conditions. Algorithms developed to predict the effect of missense changes on protein structure and function output the following: SIFT: "Not Available"; PolyPhen-2: "Benign"; Align-GVGD: "Not Available". The leucine amino acid residue is found in multiple mammalian species, which suggests that this missense change does not adversely affect protein function. In summary, the available evidence is currently insufficient to determine the role of this variant in disease. Therefore, it has been classified as a Variant of Uncertain Significance. This variant is not present in population databases (gnomAD no frequency). This sequence change replaces tryptophan, which is neutral and slightly polar, with leucine, which is neutral and non-polar, at codon 11 of the TLR3 protein (p.Trp11Leu).

NM_003265.3(TLR3):c.32G>T (p.Trp11Leu)

Gene: TLR3 (toll like receptor 3; plus strand). Cytogenetic location: 4q35.1.
Variant type: single nucleotide variant.
Coding change: c.32G>T on transcript NM_003265.3 (MANE Select); coding-DNA position 32, G replaced by T.
Protein change: p.Trp11Leu; replaces tryptophan 11 with leucine.
Molecular consequence: missense variant.
Genome position (GRCh38, 1-based): chr4:186,076,651, G>T. VCF-style: chr4-186076651-G-T. GRCh37 (hg19) VCF-style: chr4-186997805-G-T.
Other names: short protein forms W11L.
Identifiers: ClinVar variation 2914462 (VCV002914462.3), dbSNP rs750233576, ClinGen allele CA359107157.